The following is an entry in ClinVar:

NC_000008.10:g.(?_116426251)_(119965024_?)del

Genes: AARD (alanine and arginine rich domain containing protein; plus strand), EIF3H (eukaryotic translation initiation factor 3 subunit H; minus strand), EXT1 (exostosin glycosyltransferase 1; minus strand), LINC00536 (long intergenic non-protein coding RNA 536; minus strand), MED30 (mediator complex subunit 30; plus strand) and 6 more. Cytogenetic location: 8q23.3-24.12.
Variant type: Deletion.
Identifiers: ClinVar variation 3245563 (VCV003245563.1).

ClinVar aggregate classification (germline): Pathogenic (1 of 4 stars; one submission).

Submission:

Labcorp Genetics (formerly Invitae), Labcorp
Classification: Pathogenic. Last evaluated: 2023-12-09. Review status: criteria provided, single submitter. Criteria: Invitae Variant Classification Sherloc (09022015). Collection method: clinical testing. Allele origin: unknown.
Comment: A gross deletion of the genomic region encompassing the full coding sequence of the TNFRSF11B gene has been identified. Loss-of-function variants in TNFRSF11B are known to be pathogenic (PMID: 9647741, 26762549). The boundaries of this event are unknown as they extend beyond the assayed region for this gene and therefore may encompass additional genes. A similar copy number variant has been observed in individuals with juvenile Paget disease of bone (PMID: 12124406). For these reasons, this variant has been classified as Pathogenic.

Literature cited by the submitters: PubMed 9647741; PubMed 26762549; PubMed 12124406.